The following is an entry in ClinVar:

NM_181712.5(KANK4):c.2584G>A (p.Val862Ile)

Gene: KANK4 (KN motif and ankyrin repeat domains 4; minus strand). Cytogenetic location: 1p31.3.
Variant type: single nucleotide variant.
Coding change: c.2584G>A on transcript NM_181712.5 (MANE Select); coding-DNA position 2584, G replaced by A.
Protein change: p.Val862Ile; replaces valine 862 with isoleucine.
Molecular consequence: missense variant.
Genome position (GRCh38, 1-based): chr1:62,253,165, C>T on the plus strand (G>A on the coding strand, the complement: KANK4 is on the minus strand). VCF-style: chr1-62253165-C-T. GRCh37 (hg19) VCF-style: chr1-62718837-C-T.
Other names: c.700G>A, p.Val234Ile (NM_001320269.2); c.2584G>A (NM_181712.4); short protein forms V234I, V862I.
Identifiers: ClinVar variation 2163155 (VCV002163155.5), dbSNP rs377521746, ClinGen allele CA884039.

ClinVar aggregate classification (germline): Uncertain significance. Review status: criteria provided, multiple submitters, no conflicts (2 of 4 stars). 2 submissions from 2 submitters: Uncertain significance (2). Last evaluated 2025-06-12.

Allele frequency attached by ClinVar (database versions not stated): ExAC 0.00005; gnomAD 0.00006; ESP Exome Variant Server 0.00008; TOPMed 0.00008.
gnomAD v4.1: 67 of 1,613,046 alleles (0.0042%); highest among the groups gnomAD compares: Non-Finnish European, 0.005%; no homozygotes.

Submissions (2):

Labcorp Genetics (formerly Invitae), Labcorp
Classification: Uncertain significance. Last evaluated: 2025-06-12. Review status: criteria provided, single submitter. Criteria: Invitae Variant Classification Sherloc (09022015). Collection method: clinical testing. Allele origin: germline.
Comment: This sequence change replaces valine, which is neutral and non-polar, with isoleucine, which is neutral and non-polar, at codon 862 of the KANK4 protein (p.Val862Ile). This variant is present in population databases (rs377521746, gnomAD 0.01%). This variant has not been reported in the literature in individuals affected with KANK4-related conditions. ClinVar contains an entry for this variant (Variation ID: 2163155). An algorithm developed to predict the effect of missense changes on protein structure and function (PolyPhen-2) suggests that this variant is likely to be tolerated. In summary, the available evidence is currently insufficient to determine the role of this variant in disease. Therefore, it has been classified as a Variant of Uncertain Significance.

Ambry Genetics
Classification: Uncertain significance. Last evaluated: 2025-01-21. Review status: criteria provided, single submitter. Criteria: Ambry Variant Classification Scheme 2023. Collection method: clinical testing. Allele origin: germline.